The following is an entry in ClinVar:

ClinVar aggregate classification (germline): Uncertain significance (1 of 4 stars; one submission).

Allele frequency attached by ClinVar (database versions not stated): gnomAD 0.00001; TOPMed 0.00002; ESP Exome Variant Server 0.00008.
gnomAD v4.1: 55 of 1,614,040 alleles (0.0034%); highest among the groups gnomAD compares: Non-Finnish European, 0.0044%; no homozygotes.

Submission:

Labcorp Genetics (formerly Invitae), Labcorp
Classification: Uncertain significance. Last evaluated: 2022-08-12. Review status: criteria provided, single submitter. Criteria: Invitae Variant Classification Sherloc (09022015). Collection method: clinical testing. Allele origin: germline.
Comment: This variant is present in population databases (rs377247476, gnomAD 0.01%). This sequence change replaces proline, which is neutral and non-polar, with serine, which is neutral and polar, at codon 1617 of the CCDC88A protein (p.Pro1617Ser). This variant has not been reported in the literature in individuals affected with CCDC88A-related conditions. Algorithms developed to predict the effect of missense changes on protein structure and function (SIFT, PolyPhen-2, Align-GVGD) all suggest that this variant is likely to be tolerated. In summary, the available evidence is currently insufficient to determine the role of this variant in disease. Therefore, it has been classified as a Variant of Uncertain Significance.

NM_001365480.1(CCDC88A):c.4852C>T (p.Pro1618Ser)

Gene: CCDC88A (coiled-coil and HOOK domain protein 88A; minus strand). Cytogenetic location: 2p16.1.
Variant type: single nucleotide variant.
Coding change: c.4852C>T on transcript NM_001365480.1 (MANE Select); coding-DNA position 4852, C replaced by T.
Protein change: p.Pro1618Ser; replaces proline 1618 with serine.
Molecular consequence: missense variant.
Genome position (GRCh38, 1-based): chr2:55,296,497, G>A on the plus strand (C>T on the coding strand, the complement: CCDC88A is on the minus strand). VCF-style: chr2-55296497-G-A. GRCh37 (hg19) VCF-style: chr2-55523633-G-A.
Other names: c.4849C>T, p.Pro1617Ser (NM_001135597.2, NM_001254943.2); c.4768C>T, p.Pro1590Ser (NM_018084.5); short protein forms P1590S, P1617S, P1618S.
Identifiers: ClinVar variation 1904579 (VCV001904579.5), dbSNP rs377247476, ClinGen allele CA1665442.